The following is an entry in ClinVar:

NM_020297.4(ABCC9):c.1552G>A (p.Val518Met)

Gene: ABCC9 (ATP binding cassette subfamily C member 9; minus strand). Cytogenetic location: 12p12.1.
Variant type: single nucleotide variant.
Coding change: c.1552G>A on transcript NM_020297.4 (MANE Select); coding-DNA position 1552, G replaced by A.
Protein change: p.Val518Met; replaces valine 518 with methionine.
Molecular consequence: missense variant.
Genome position (GRCh38, 1-based): chr12:21,906,192, C>T on the plus strand (G>A on the coding strand, the complement: ABCC9 is on the minus strand). VCF-style: chr12-21906192-C-T. GRCh37 (hg19) VCF-style: chr12-22059126-C-T.
Other names: c.1552G>A, p.Val518Met (NM_001377273.1, NM_005691.4); c.688G>A, p.Val230Met (NM_001377274.1); short protein forms V230M, V518M.
Identifiers: ClinVar variation 3687319 (VCV003687319.2).

ClinVar aggregate classification (germline): Uncertain significance (1 of 4 stars; one submission).

Conditions:
Dilated cardiomyopathy 1O (CMD1O). Also called: CARDIOMYOPATHY, DILATED, WITH VENTRICULAR TACHYCARDIA. Identifiers: Orphanet 154, MedGen C1837839, MONDO:0012062, OMIM 608569.

gnomAD v4.1: 7 of 1,613,240 alleles (0.00043%); highest among the groups gnomAD compares: Non-Finnish European, 0.00059%; no homozygotes.

Submission:

Labcorp Genetics (formerly Invitae), Labcorp
Classification: Uncertain significance for Dilated cardiomyopathy 1O. Last evaluated: 2025-12-01. Review status: criteria provided, single submitter. Criteria: Invitae Variant Classification Sherloc (09022015). Collection method: clinical testing. Allele origin: germline.
Comment: This sequence change replaces valine, which is neutral and non-polar, with methionine, which is neutral and non-polar, at codon 518 of the ABCC9 protein (p.Val518Met). This variant is not present in population databases (gnomAD no frequency). This variant has not been reported in the literature in individuals affected with ABCC9-related conditions. ClinVar contains an entry for this variant (Variation ID: 3687319). Invitae Evidence Modeling of protein sequence and biophysical properties (such as structural, functional, and spatial information, amino acid conservation, physicochemical variation, residue mobility, and thermodynamic stability) indicates that this missense variant is expected to disrupt ABCC9 protein function with a positive predictive value of 95%. In summary, the available evidence is currently insufficient to determine the role of this variant in disease. Therefore, it has been classified as a Variant of Uncertain Significance.